The following is an entry in ClinVar:

ClinVar aggregate classification (germline): Benign/Likely benign. Review status: criteria provided, multiple submitters, no conflicts (2 of 4 stars). 6 submissions from 6 submitters: Benign (1); Likely benign (5). Last evaluated 2026-02-04.

Conditions:
KCNJ1-related disorder. Also called: KCNJ1-related condition.
Bartter disease type 2. Also called: HYPOKALEMIC ALKALOSIS WITH HYPERCALCIURIA 2, ANTENATAL; HYPERPROSTAGLANDIN E SYNDROME 2; Bartter syndrome, type 2, antenatal. Identifiers: Orphanet 112, Orphanet 620220, MedGen C1855849, MONDO:0009424, OMIM 241200.

Allele frequency attached by ClinVar (database versions not stated): gnomAD 0.00003 and 0.00025; TOPMed 0.00005; gnomAD exomes 0.00060 and 0.00116; 1000 Genomes Project 30x 0.00109; ExAC 0.00135; 1000 Genomes Project 0.00140.
gnomAD v4.1: 902 of 1,614,116 alleles (0.056%); highest among the groups gnomAD compares: South Asian, 0.93%; 7 homozygotes.

Submissions (6):

Labcorp Genetics (formerly Invitae), Labcorp
Classification: Benign. Last evaluated: 2026-02-04. Review status: criteria provided, single submitter. Criteria: Invitae Variant Classification Sherloc (09022015). Collection method: clinical testing. Allele origin: germline.

PreventionGenetics, part of Exact Sciences
Classification: Likely benign for KCNJ1-related condition. Last evaluated: 2025-01-29. Review status: criteria provided, single submitter. Criteria: ACMG Guidelines, 2015. Collection method: clinical testing. Allele origin: germline.
Comment: This variant is classified as likely benign based on ACMG/AMP sequence variant interpretation guidelines (Richards et al. 2015 PMID: 25741868, with internal and published modifications).

Blueprint Genetics
Classification: Likely benign. Last evaluated: 2024-11-04. Review status: criteria provided, single submitter. Criteria: ACMG Guidelines, 2015. Collection method: clinical testing. Allele origin: germline.

Fulgent Genetics
Classification: Likely benign for Bartter disease type 2. Last evaluated: 2021-07-19. Review status: criteria provided, single submitter. Criteria: ACMG Guidelines, 2015. Collection method: clinical testing. Allele origin: unknown.

Illumina Laboratory Services, Illumina
Classification: Likely benign for Bartter disease type 2. Last evaluated: 2018-01-12. Review status: criteria provided, single submitter. Criteria: ICSL Variant Classification Criteria 13 December 2019. Collection method: clinical testing. Allele origin: germline.
Comment: This variant was observed in the ICSL laboratory as part of a predisposition screen in an ostensibly healthy population. It had not been previously curated by ICSL or reported in the Human Gene Mutation Database (HGMD: prior to June 1st, 2018), and was therefore a candidate for classification through an automated scoring system. Utilizing variant allele frequency, disease prevalence and penetrance estimates, and inheritance mode, an automated score was calculated to assess if this variant is too frequent to cause the disease. Based on the score and internal cut-off values, a variant classified as likely benign is not then subjected to further curation. The score for this variant resulted in a classification of likely benign for this disease.

Breakthrough Genomics
Classification: Likely benign. Review status: criteria provided, single submitter. Criteria: ACMG Guidelines, 2015. Collection method: not provided. Allele origin: germline. Inheritance: Autosomal recessive inheritance. Affected: yes.

NM_153766.3(KCNJ1):c.792G>A (p.Ala264=)

Gene: KCNJ1 (potassium inwardly rectifying channel subfamily J member 1; minus strand). Cytogenetic location: 11q24.3.
Variant type: single nucleotide variant.
Coding change: c.792G>A on transcript NM_153766.3 (MANE Select); coding-DNA position 792, G replaced by A.
Protein change: p.Ala264=; no amino-acid change (alanine 264 retained).
Molecular consequence: synonymous variant.
Genome position (GRCh38, 1-based): chr11:128,839,452, C>T on the plus strand (G>A on the coding strand, the complement: KCNJ1 is on the minus strand). VCF-style: chr11-128839452-C-T. GRCh37 (hg19) VCF-style: chr11-128709347-C-T.
Other names: c.849G>A, p.Ala283= (NM_000220.6); c.792G>A, p.Ala264= (NM_153764.3, NM_153767.4); c.843G>A, p.Ala281= (NM_153765.3).
Identifiers: ClinVar variation 303571 (VCV000303571.13), dbSNP rs567888166, ClinGen allele CA6357451.